The following is an entry in ClinVar:

NM_015021.3(ZNF292):c.6062C>G (p.Pro2021Arg)

Gene: ZNF292 (zinc finger protein 292; plus strand). Cytogenetic location: 6q14.3.
Variant type: single nucleotide variant.
Coding change: c.6062C>G on transcript NM_015021.3 (MANE Select); coding-DNA position 6062, C replaced by G.
Protein change: p.Pro2021Arg; replaces proline 2021 with arginine.
Molecular consequence: missense variant.
Genome position (GRCh38, 1-based): chr6:87,259,691, C>G. VCF-style: chr6-87259691-C-G. GRCh37 (hg19) VCF-style: chr6-87969409-C-G.
Other names: c.5642C>G, p.Pro1881Arg (NM_001351444.2); short protein forms P1881R, P2021R.
Identifiers: ClinVar variation 4076877 (VCV004076877.1).

ClinVar aggregate classification (germline): Uncertain significance (1 of 4 stars; one submission).

Submission:

GeneDx
Classification: Uncertain significance. Last evaluated: 2025-02-20. Review status: criteria provided, single submitter. Criteria: GeneDx Variant Classification Process June 2021. Collection method: clinical testing. Allele origin: germline. Affected: yes.
Comment: Not observed at significant frequency in large population cohorts (gnomAD); In silico analysis indicates that this missense variant does not alter protein structure/function; Has not been previously published as pathogenic or benign to our knowledge